The following is an entry in ClinVar:

ClinVar aggregate classification (germline): Pathogenic (1 of 4 stars; one submission).

Conditions:
Familial cancer of breast. Also called: Hereditary breast cancer; BREAST CANCER, FAMILIAL; hereditary breast carcinoma. Identifiers: Orphanet 227535, MedGen C0346153, MONDO:0016419, OMIM 114480. Disease mechanism: loss of function.

Submission:

Myriad Genetics, Inc.
Classification: Pathogenic for Familial cancer of breast. Last evaluated: 2023-01-13. Review status: criteria provided, single submitter. Criteria: Myriad Autosomal Dominant, Autosomal Recessive and X-Linked Classification Criteria (2023). Collection method: clinical testing. Allele origin: unknown.
Comment: This variant is considered pathogenic. This variant creates a frameshift predicted to result in premature protein truncation.

NM_000051.4(ATM):c.5469del (p.Leu1824fs)

Gene: ATM (ATM serine/threonine kinase; plus strand). Cytogenetic location: 11q22.3.
Variant type: Deletion.
Coding change: c.5469del on transcript NM_000051.4 (MANE Select); coding-DNA position 5469, one base deleted (T; older notation c.5469delT).
Protein change: p.Leu1824fs; shifts the reading frame from leucine 1824.
Molecular consequence: frameshift variant.
Genome position (GRCh38, 1-based): chr11:108,303,002, T deleted; the last of 2 consecutive T bases (chr11:108,303,001-108,303,002); deleting either gives the same sequence. VCF-style (leftmost placement, unchanged base first): chr11-108303000-AT-A. GRCh37 (hg19) VCF-style: chr11-108173727-AT-A.
Other names: c.5469del, p.Leu1824fs (NM_001351834.2); short protein forms L1824fs.
Identifiers: ClinVar variation 2431335 (VCV002431335.1), dbSNP rs2546980618, ClinGen allele CA2580083147.
Genomic context (GRCh38, chr11:108,303,000, plus strand): 5'-GACATTTGGATAAAGACACTGACTTGTGCTTTTTTGGACAGTGGAGGCACAAAATGTGAA[AT>A]TCTTCAATTATTAAAGCCAATGTGTGAAGTAAGAAGATTAATTAGTCTGATATAATTCCT-3'